The following is an entry in ClinVar:

ClinVar aggregate classification (germline): Uncertain significance (1 of 4 stars; one submission).

Conditions:
Neuropathy, hereditary sensory and autonomic, type 2A (HSAN2A). Also called: ACROOSTEOLYSIS, GIACCAI TYPE; ACROOSTEOLYSIS, NEUROGENIC; MORVAN DISEASE; NEUROPATHY, CONGENITAL SENSORY; NEUROPATHY, HEREDITARY SENSORY RADICULAR, AUTOSOMAL RECESSIVE; NEUROPATHY, HEREDITARY SENSORY, TYPE IIA. Identifiers: Orphanet 970, MedGen C2752089, MONDO:0024309, OMIM 201300.
Pseudohypoaldosteronism type 2C (PHA2C). Also called: Pseudohypoaldosteronism Type IIC. Identifiers: Orphanet 757, Orphanet 88940, MedGen C1840391, MONDO:0013778, OMIM 614492.

gnomAD v4.1: 1 of 1,614,224 alleles (0.000062%); highest among the groups gnomAD compares: African/African-American, 0.0013%; no homozygotes.

Submission:

Labcorp Genetics (formerly Invitae), Labcorp
Classification: Uncertain significance for Neuropathy, hereditary sensory and autonomic, type 2A; Pseudohypoaldosteronism type 2C. Last evaluated: 2024-09-02. Review status: criteria provided, single submitter. Criteria: Invitae Variant Classification Sherloc (09022015). Collection method: clinical testing. Allele origin: germline.
Comment: This sequence change replaces glutamic acid, which is acidic and polar, with glycine, which is neutral and non-polar, at codon 1425 of the WNK1 protein (p.Glu1425Gly). This variant is present in population databases (no rsID available, gnomAD 0.0009%). This variant has not been reported in the literature in individuals affected with WNK1-related conditions. Experimental studies and prediction algorithms are not available or were not evaluated, and the functional significance of this variant is currently unknown. In summary, the available evidence is currently insufficient to determine the role of this variant in disease. Therefore, it has been classified as a Variant of Uncertain Significance.

NM_018979.4(WNK1):c.3518A>G (p.Glu1173Gly)

Gene: WNK1 (WNK lysine deficient protein kinase 1; plus strand). Cytogenetic location: 12p13.33.
Variant type: single nucleotide variant.
Coding change: c.3518A>G on transcript NM_018979.4 (MANE Select); coding-DNA position 3518, A replaced by G.
Protein change: p.Glu1173Gly; replaces glutamic acid 1173 with glycine.
Molecular consequence: missense variant.
Genome position (GRCh38, 1-based): chr12:883,423, A>G. VCF-style: chr12-883423-A-G. GRCh37 (hg19) VCF-style: chr12-992589-A-G.
Other names: c.4298A>G, p.Glu1433Gly (NM_001184985.2); c.2777A>G, p.Glu926Gly (NM_014823.3); c.4274A>G, p.Glu1425Gly (NM_213655.5); short protein forms E1173G, E1425G, E1433G, E926G.
Identifiers: ClinVar variation 3751804 (VCV003751804.2).